The following is an entry in ClinVar:

NM_001040108.2(MLH3):c.3105A>C (p.Glu1035Asp)

Gene: MLH3 (mutL homolog 3; minus strand). Cytogenetic location: 14q24.3.
Variant type: single nucleotide variant.
Coding change: c.3105A>C on transcript NM_001040108.2 (MANE Select); coding-DNA position 3105, A replaced by C.
Protein change: p.Glu1035Asp; replaces glutamic acid 1035 with aspartic acid.
Molecular consequence: missense variant.
Genome position (GRCh38, 1-based): chr14:75,046,551, T>G on the plus strand (A>C on the coding strand, the complement: MLH3 is on the minus strand). VCF-style: chr14-75046551-T-G. GRCh37 (hg19) VCF-style: chr14-75513254-T-G.
Other names: c.3105A>C, p.Glu1035Asp (NM_014381.3); short protein forms E1035D.
Identifiers: ClinVar variation 4552096 (VCV004552096.1).
Genomic context (GRCh38, chr14:75,046,551, plus strand): 5'-CATTCTTCCCAGGGCTACATCGAAATGCCGCTGCCAATCTGAACAACACGTGTTTGACTC[T>G]TCAGTTTCAGAACAAGCTCTTGCTTTAGATTCCTCACTCTGAAAACAAATTCCATTTTGG-3'
Protein context (NP_001035197.1, residues 1025-1045): ESKARACSET[Glu1035Asp]ESNTCCSDWQ

ClinVar aggregate classification (germline): Uncertain significance (1 of 4 stars; one submission).

Submission:

Ambry Genetics
Classification: Uncertain significance. Last evaluated: 2025-10-16. Review status: criteria provided, single submitter. Criteria: Ambry Variant Classification Scheme 2023. Collection method: clinical testing. Allele origin: germline.
Comment: The p.E1035D variant (also known as c.3105A>C), located in coding exon 1 of the MLH3 gene, results from an A to C substitution at nucleotide position 3105. The glutamic acid at codon 1035 is replaced by aspartic acid, an amino acid with highly similar properties. This amino acid position is conserved. In addition, this alteration is predicted to be tolerated by in silico analysis. Based on the available evidence, the clinical significance of this variant remains unclear.